The following is an entry in ClinVar:

ClinVar aggregate classification (germline): Likely pathogenic (1 of 4 stars; one submission).

Submission:

Labcorp Genetics (formerly Invitae), Labcorp
Classification: Likely pathogenic. Last evaluated: 2022-10-19. Review status: criteria provided, single submitter. Criteria: Invitae Variant Classification Sherloc (09022015). Collection method: clinical testing. Allele origin: germline.
Comment: In summary, the currently available evidence indicates that the variant is pathogenic, but additional data are needed to prove that conclusively. Therefore, this variant has been classified as Likely Pathogenic. Algorithms developed to predict the effect of sequence changes on RNA splicing suggest that this variant may disrupt the consensus splice site. Disruption of this splice site has been observed in individual(s) with clinical features of porencephaly (Invitae). This variant is not present in population databases (gnomAD no frequency). This sequence change affects a donor splice site in intron 30 of the COL4A2 gene. It is expected to disrupt RNA splicing. Variants that disrupt the donor or acceptor splice site typically lead to a loss of protein function (PMID: 16199547), and loss-of-function variants in COL4A2 are known to be pathogenic (PMID: 22333902, 30315939).

Literature cited by the submitters: PubMed 16199547; PubMed 22333902; PubMed 30315939.

NM_001846.4(COL4A2):c.2587+2T>G

Gene: COL4A2 (collagen type IV alpha 2 chain; plus strand). Cytogenetic location: 13q34.
Variant type: single nucleotide variant.
Coding change: c.2587+2T>G on transcript NM_001846.4 (MANE Select); the canonical splice donor site of the intron after coding-DNA position 2587, T replaced by G.
Molecular consequence: splice donor variant.
Genome position (GRCh38, 1-based): chr13:110,478,166, T>G. VCF-style: chr13-110478166-T-G. GRCh37 (hg19) VCF-style: chr13-111130513-T-G.
Identifiers: ClinVar variation 2036040 (VCV002036040.4), dbSNP rs2502154005, ClinGen allele CA388726158.